The following is an entry in ClinVar:

ClinVar aggregate classification (germline): Pathogenic. Review status: criteria provided, multiple submitters, no conflicts (2 of 4 stars). 2 submissions from 2 submitters: Pathogenic (2). Last evaluated 2023-03-09.

Conditions:
Duchenne muscular dystrophy (DMD). Also called: Duchenne Muscular Dystrophy (DMD); MUSCULAR DYSTROPHY, PSEUDOHYPERTROPHIC PROGRESSIVE, DUCHENNE TYPE. Identifiers: Orphanet 98896, MedGen C0013264, MONDO:0010679, OMIM 310200.
Primary dilated cardiomyopathy (DCM). Also called: Dilated Cardiomyopathy. Identifiers: Orphanet 217604, MedGen C0007193, MeSH D002311, MONDO:0005021, HP:0001644. Inheritance: Various modes of inheritance.
Calf muscle hypertrophy. Identifiers: MedGen C1843057, HP:0008981.
Abnormal muscle fiber dystrophin expression. Identifiers: MedGen C4022648, HP:0030096.
Progressive muscle weakness. Identifiers: MedGen C0240421, HP:0003323.

Submissions (2):

Labcorp Genetics (formerly Invitae), Labcorp
Classification: Pathogenic for Duchenne muscular dystrophy. Last evaluated: 2023-03-09. Review status: criteria provided, single submitter. Criteria: Invitae Variant Classification Sherloc (09022015). Collection method: clinical testing. Allele origin: germline.
Comment: This premature translational stop signal has been observed in individual(s) with clinical features of DMD-related conditions (PMID: 23536893, 31081998, 34106991). This variant is also known as p.Trp1632X. ClinVar contains an entry for this variant (Variation ID: 523468). For these reasons, this variant has been classified as Pathogenic. This variant is not present in population databases (gnomAD no frequency). This sequence change creates a premature translational stop signal (p.Trp1613*) in the DMD gene. It is expected to result in an absent or disrupted protein product. Loss-of-function variants in DMD are known to be pathogenic (PMID: 16770791, 25007885).

Centre for Mendelian Genomics, University Medical Centre Ljubljana
Classification: Pathogenic for Abnormal muscle fiber dystrophin expression; Calf muscle hypertrophy; Primary dilated cardiomyopathy; Progressive muscle weakness. Last evaluated: 2017-01-01. Review status: criteria provided, single submitter. Criteria: ACMG Guidelines, 2015. Collection method: clinical testing. Allele origin: unknown. Affected: yes.

Literature cited by the submitters: PubMed 23536893 (cited by Labcorp Genetics (formerly Invitae), Labcorp); PubMed 31081998 (cited by Labcorp Genetics (formerly Invitae), Labcorp); PubMed 34106991 (cited by Labcorp Genetics (formerly Invitae), Labcorp); PubMed 16770791 (cited by Labcorp Genetics (formerly Invitae), Labcorp); PubMed 25007885 (cited by Labcorp Genetics (formerly Invitae), Labcorp).

NM_004006.3(DMD):c.4838G>A (p.Trp1613Ter)

Gene: DMD (dystrophin; minus strand). Cytogenetic location: Xp21.1.
Variant type: single nucleotide variant.
Coding change: c.4838G>A on transcript NM_004006.3 (MANE Select); coding-DNA position 4838, G replaced by A.
Protein change: p.Trp1613Ter; replaces tryptophan 1613 with a stop codon.
Molecular consequence: nonsense.
Genome position (GRCh38, 1-based): chrX:32,380,517, C>T on the plus strand (G>A on the coding strand, the complement: DMD is on the minus strand). VCF-style: chrX-32380517-C-T. GRCh37 (hg19) VCF-style: chrX-32398634-C-T.
Other names: c.4814G>A, p.Trp1605Ter (NM_000109.4); c.4826G>A, p.Trp1609Ter (NM_004009.3); c.4469G>A, p.Trp1490Ter (NM_004010.3); c.815G>A, p.Trp272Ter (NM_004011.4); c.806G>A, p.Trp269Ter (NM_004012.4); short protein forms W1613*, W1609*, W269*, W272*, W1490*, W1605*.
Identifiers: ClinVar variation 523468 (VCV000523468.6), dbSNP rs1557315928, ClinGen allele CA412660945.